The following is an entry in ClinVar:

NM_000245.4(MET):c.2075T>A (p.Ile692Asn)

Gene: MET (MET proto-oncogene, receptor tyrosine kinase; plus strand). Cytogenetic location: 7q31.2.
Variant type: single nucleotide variant.
Coding change: c.2075T>A on transcript NM_000245.4 (MANE Select); coding-DNA position 2075, T replaced by A.
Protein change: p.Ile692Asn; replaces isoleucine 692 with asparagine.
Molecular consequence: missense variant.
Genome position (GRCh38, 1-based): chr7:116,757,747, T>A. VCF-style: chr7-116757747-T-A. GRCh37 (hg19) VCF-style: chr7-116397801-T-A.
Other names: c.2075T>A, p.Ile692Asn (NM_001127500.3, NM_001324401.3); c.785T>A, p.Ile262Asn (NM_001324402.2); short protein forms I262N, I692N.
Identifiers: ClinVar variation 3709756 (VCV003709756.2).

ClinVar aggregate classification (germline): Uncertain significance (1 of 4 stars; one submission).

Conditions:
Renal cell carcinoma. Identifiers: Orphanet 217071, MedGen C0007134, MeSH D002292, MONDO:0005086, HP:0005584.

Submission:

Labcorp Genetics (formerly Invitae), Labcorp
Classification: Uncertain significance for Renal cell carcinoma. Last evaluated: 2024-11-25. Review status: criteria provided, single submitter. Criteria: Invitae Variant Classification Sherloc (09022015). Collection method: clinical testing. Allele origin: germline.
Comment: This sequence change replaces isoleucine, which is neutral and non-polar, with asparagine, which is neutral and polar, at codon 692 of the MET protein (p.Ile692Asn). This variant is not present in population databases (gnomAD no frequency). This variant has not been reported in the literature in individuals affected with MET-related conditions. Invitae Evidence Modeling of protein sequence and biophysical properties (such as structural, functional, and spatial information, amino acid conservation, physicochemical variation, residue mobility, and thermodynamic stability) indicates that this missense variant is expected to disrupt MET protein function with a positive predictive value of 80%. In summary, the available evidence is currently insufficient to determine the role of this variant in disease. Therefore, it has been classified as a Variant of Uncertain Significance.